The following is an entry in ClinVar:

ClinVar aggregate classification (germline): Pathogenic (1 of 4 stars; one submission).

Conditions:
Spastic paraplegia. Identifiers: MedGen C0037772, HP:0001258.

Submission:

Labcorp Genetics (formerly Invitae), Labcorp
Classification: Pathogenic for Spastic paraplegia. Last evaluated: 2022-11-01. Review status: criteria provided, single submitter. Criteria: Invitae Variant Classification Sherloc (09022015). Collection method: clinical testing. Allele origin: germline.
Comment: This variant disrupts a region of the SACS protein in which other variant(s) (p.Asn4549Asp) have been determined to be pathogenic (PMID: 15156359, 21507954). This suggests that this is a clinically significant region of the protein, and that variants that disrupt it are likely to be disease-causing. This sequence change creates a premature translational stop signal (p.Arg2508Ilefs*28) in the SACS gene. While this is not anticipated to result in nonsense mediated decay, it is expected to disrupt the last 2072 amino acid(s) of the SACS protein. This variant is not present in population databases (gnomAD no frequency). This variant has not been reported in the literature in individuals affected with SACS-related conditions. For these reasons, this variant has been classified as Pathogenic.

Literature cited by the submitters: PubMed 15156359; PubMed 21507954.

NM_014363.6(SACS):c.7516_7522dup (p.Arg2508fs)

Gene: SACS (sacsin molecular chaperone; minus strand). Cytogenetic location: 13q12.12.
Variant type: Duplication.
Coding change: c.7516_7522dup on transcript NM_014363.6 (MANE Select); coding-DNA positions 7516 to 7522, 7 bases duplicated (TTAGAAA; older notation c.7516_7522dupTTAGAAA).
Protein change: p.Arg2508fs; shifts the reading frame from arginine 2508.
Molecular consequence: frameshift variant.
Genome position (GRCh38, 1-based): chr13:23,336,354-23,336,360, TTTCTAA duplicated on the plus strand (TTAGAAA on the coding strand, the reverse complement: SACS is on the minus strand). VCF-style (leftmost placement, unchanged base first): chr13-23336353-C-CTTTCTAA. GRCh37 (hg19) VCF-style: chr13-23910492-C-CTTTCTAA.
Other names: c.7075_7081dup, p.Arg2361fs (NM_001278055.2); short protein forms R2508fs, R2361fs.
Identifiers: ClinVar variation 2029909 (VCV002029909.4), dbSNP rs2542232606, ClinGen allele CA2580086906.